The following is an entry in ClinVar:

NM_016507.4(CDK12):c.3024G>T (p.Arg1008=)

Gene: CDK12 (cyclin dependent kinase 12; plus strand). Cytogenetic location: 17q12.
Variant type: single nucleotide variant.
Coding change: c.3024G>T on transcript NM_016507.4 (MANE Select); coding-DNA position 3024, G replaced by T.
Protein change: p.Arg1008=; no amino-acid change (arginine 1008 retained).
Molecular consequence: synonymous variant.
Genome position (GRCh38, 1-based): chr17:39,520,016, G>T. VCF-style: chr17-39520016-G-T. GRCh37 (hg19) VCF-style: chr17-37676269-G-T.
Other names: NP_057591.2:p.Arg1008=; c.3024G>T (NM_016507.2, NM_016507.3); c.3024G>T, p.Arg1008= (NM_015083.4).
Identifiers: ClinVar variation 1678992 (VCV001678992.4), dbSNP rs61747400, ClinGen allele CA8531461.

ClinVar aggregate classification (germline): Likely benign. Review status: criteria provided, multiple submitters, no conflicts (2 of 4 stars). 3 submissions from 3 submitters: Likely benign (2). 1 of the submissions does not count toward it. Last evaluated 2024-10-05.

Conditions:
CDK12-related disorder. Also called: CDK12-related condition.
Hereditary breast ovarian cancer syndrome. Also called: Hereditary breast and ovarian cancer syndrome; BRCA1- and BRCA2-Associated Hereditary Breast and Ovarian Cancer; Hereditary breast and ovarian cancer syndrome (HBOC); Hereditary breast and/or ovarian cancer syndrome; Breast and ovarian cancer; Hereditary breast and ovarian cancer. Identifiers: Orphanet 145, MedGen C0677776, MeSH D061325, MONDO:0003582. Disease mechanism: loss of function.

Allele frequency attached by ClinVar (database versions not stated): gnomAD exomes 0.00029; ExAC 0.00030; gnomAD 0.00096 and 0.00101; TOPMed 0.00098; ESP Exome Variant Server 0.00100; 1000 Genomes Project 0.00140; 1000 Genomes Project 30x 0.00141.
gnomAD v4.1: 327 of 1,614,066 alleles (0.02%); highest among the groups gnomAD compares: African/African-American, 0.37%; 1 homozygote.

Submissions (3):

Ambry Genetics
Classification: Likely benign. Last evaluated: 2024-10-05. Review status: criteria provided, single submitter. Criteria: Ambry Variant Classification Scheme 2023. Collection method: clinical testing. Allele origin: germline.

National Health Laboratory Service, Universitas Academic Hospital and University of the Free State
Classification: Likely benign for Hereditary breast ovarian cancer syndrome. Last evaluated: 2022-04-19. Review status: criteria provided, single submitter. Criteria: ACMG Guidelines, 2015. Collection method: clinical testing. Allele origin: germline. Affected: yes. Observed: 11 variant alleles.

PreventionGenetics, part of Exact Sciences
Classification: Likely benign for CDK12-related condition. Last evaluated: 2019-10-28. Review status: no assertion criteria provided. Collection method: clinical testing. Allele origin: germline. Not counted in ClinVar's aggregate classification.
Comment: This variant is classified as likely benign based on ACMG/AMP sequence variant interpretation guidelines (Richards et al. 2015 PMID: 25741868, with internal and published modifications).